The following is an entry in ClinVar:

ClinVar aggregate classification (germline): Uncertain significance (1 of 4 stars; one submission).

Conditions:
Pyridoxine-dependent epilepsy (EPEO4). Also called: PYRIDOXINE DEPENDENCY WITH SEIZURES; EPILEPSY, EARLY-ONSET, 4, VITAMIN B6-DEPENDENT; Pyridoxine-Dependent Seizures; Pyridoxine-Dependent Epilepsy - ALDH7A1. Identifiers: Orphanet 3006, MedGen C1849508, MONDO:0009945, OMIM 266100. Disease mechanism: loss of function.

Allele frequency attached by ClinVar (database versions not stated): gnomAD exomes 0.00001.
gnomAD v4.1: 7 of 1,613,138 alleles (0.00043%); highest among the groups gnomAD compares: Non-Finnish European, 0.00059%; no homozygotes.

Submission:

Labcorp Genetics (formerly Invitae), Labcorp
Classification: Uncertain significance for Pyridoxine-dependent epilepsy. Last evaluated: 2022-06-14. Review status: criteria provided, single submitter. Criteria: Invitae Variant Classification Sherloc (09022015). Collection method: clinical testing. Allele origin: germline.
Comment: Variants that disrupt the consensus splice site are a relatively common cause of aberrant splicing (PMID: 17576681, 9536098). Algorithms developed to predict the effect of sequence changes on RNA splicing suggest that this variant may disrupt the consensus splice site. In summary, the available evidence is currently insufficient to determine the role of this variant in disease. Therefore, it has been classified as a Variant of Uncertain Significance. This variant has not been reported in the literature in individuals affected with ALDH7A1-related conditions. This variant is not present in population databases (gnomAD no frequency). This sequence change falls in intron 7 of the ALDH7A1 gene. It does not directly change the encoded amino acid sequence of the ALDH7A1 protein. It affects a nucleotide within the consensus splice site.

Literature cited by the submitters: PubMed 17576681; PubMed 9536098.

NM_001182.5(ALDH7A1):c.695+3A>T

Gene: ALDH7A1 (aldehyde dehydrogenase 7 family member A1; minus strand). Cytogenetic location: 5q23.2.
Variant type: single nucleotide variant.
Coding change: c.695+3A>T on transcript NM_001182.5 (MANE Select); 3 bases into the intron after coding-DNA position 695, A replaced by T.
Molecular consequence: intron variant.
Genome position (GRCh38, 1-based): chr5:126,575,417, T>A on the plus strand (A>T on the coding strand, the complement: ALDH7A1 is on the minus strand). VCF-style: chr5-126575417-T-A. GRCh37 (hg19) VCF-style: chr5-125911109-T-A.
Other names: c.695+3A>T (NM_001202404.2); c.611+3A>T (NM_001201377.2).
Identifiers: ClinVar variation 2421951 (VCV002421951.5), dbSNP rs1750930987, ClinGen allele CA1580454338.